The following is an entry in ClinVar:

NM_003611.3(OFD1):c.2700C>A (p.Asn900Lys)

Gene: OFD1 (OFD1 centriole and centriolar satellite protein; plus strand). Cytogenetic location: Xp22.2.
Variant type: single nucleotide variant.
Coding change: c.2700C>A on transcript NM_003611.3 (MANE Select); coding-DNA position 2700, C replaced by A.
Protein change: p.Asn900Lys; replaces asparagine 900 with lysine.
Molecular consequence: missense variant.
Genome position (GRCh38, 1-based): chrX:13,767,227, C>A. VCF-style: chrX-13767227-C-A. GRCh37 (hg19) VCF-style: chrX-13785346-C-A.
Other names: c.2580C>A, p.Asn860Lys (NM_001330209.2); c.2280C>A, p.Asn760Lys (NM_001330210.2); short protein forms N900K, N760K, N860K.
Identifiers: ClinVar variation 286102 (VCV000286102.11), dbSNP rs770634301, ClinGen allele CA10352065.

ClinVar aggregate classification (germline): Uncertain significance. Review status: criteria provided, multiple submitters, no conflicts (2 of 4 stars). 2 submissions from 2 submitters: Uncertain significance (2). Last evaluated 2024-01-29.

Conditions:
Joubert syndrome. Also called: CEREBELLOPARENCHYMAL DISORDER IV; JOUBERT-BOLTSHAUSER SYNDROME; Familial aplasia of the vermis. Identifiers: Orphanet 475, MedGen C5979921, MONDO:0018772.
Orofaciodigital syndrome I (OFD1). Also called: OFDS I; Oral-Facial-Digital Syndrome Type I; Papillon-Leage and Psaume Syndrome. Identifiers: Orphanet 2750, MedGen C1510460, MONDO:0010702, OMIM 311200.

Allele frequency attached by ClinVar (database versions not stated): gnomAD exomes 0.00002 and 0.00004; ExAC 0.00003; TOPMed 0.00003; gnomAD 0.00004.
gnomAD v4.1: 28 of 1,209,033 alleles (0.0023%); highest among the groups gnomAD compares: Non-Finnish European, 0.00056%; no homozygotes.

Submissions (2):

Labcorp Genetics (formerly Invitae), Labcorp
Classification: Uncertain significance for Orofaciodigital syndrome I; Joubert syndrome. Last evaluated: 2024-01-29. Review status: criteria provided, single submitter. Criteria: Invitae Variant Classification Sherloc (09022015). Collection method: clinical testing. Allele origin: germline.
Comment: This sequence change replaces asparagine, which is neutral and polar, with lysine, which is basic and polar, at codon 900 of the OFD1 protein (p.Asn900Lys). This variant is present in population databases (rs770634301, gnomAD 0.08%). This variant has not been reported in the literature in individuals affected with OFD1-related conditions. ClinVar contains an entry for this variant (Variation ID: 286102). Advanced modeling of protein sequence and biophysical properties (such as structural, functional, and spatial information, amino acid conservation, physicochemical variation, residue mobility, and thermodynamic stability) performed at Invitae indicates that this missense variant is not expected to disrupt OFD1 protein function with a negative predictive value of 80%. In summary, the available evidence is currently insufficient to determine the role of this variant in disease. Therefore, it has been classified as a Variant of Uncertain Significance.

Eurofins Ntd Llc (ga)
Classification: Uncertain significance. Last evaluated: 2016-02-17. Review status: criteria provided, single submitter. Criteria: EGL Classification Definitions 2015. Collection method: clinical testing. Allele origin: germline. Observed: 1 variant allele, 1 hemizygote.